The following is an entry in ClinVar:

NM_017636.4(TRPM4):c.1376G>A (p.Arg459His)

Gene: TRPM4 (transient receptor potential cation channel subfamily M member 4; plus strand). Cytogenetic location: 19q13.33.
Variant type: single nucleotide variant.
Coding change: c.1376G>A on transcript NM_017636.4 (MANE Select); coding-DNA position 1376, G replaced by A.
Protein change: p.Arg459His; replaces arginine 459 with histidine.
Molecular consequence: missense variant. On other transcripts: 5 prime UTR variant (1).
Genome position (GRCh38, 1-based): chr19:49,182,690, G>A. VCF-style: chr19-49182690-G-A. GRCh37 (hg19) VCF-style: chr19-49685947-G-A.
Other names: c.1376G>A, p.Arg459His (NM_001195227.2); c.1031G>A, p.Arg344His (NM_001321281.2); c.-178G>A (NM_001321282.2); c.854G>A, p.Arg285His (NM_001321283.2); c.314G>A, p.Arg105His (NM_001321285.2); short protein forms R459H, R285H, R105H, R344H.
Identifiers: ClinVar variation 468927 (VCV000468927.21), dbSNP rs142312281, ClinGen allele CA9569182.

ClinVar aggregate classification (germline): Conflicting classifications of pathogenicity. Review status: criteria provided, conflicting classifications (1 of 4 stars). 7 submissions from 7 submitters: Uncertain significance (2); Likely benign (4). 1 of the submissions does not count toward it. Last evaluated 2026-01-18.

Conditions:
TRPM4-related disorder. Also called: TRPM4-related disorders; TRPM4-related condition. Identifiers: MedGen CN239424.
Cardiovascular phenotype. Identifiers: MedGen CN230736.
Progressive familial heart block type IB (PFHB1B). Identifiers: Orphanet 871, MedGen C1970298, MONDO:0011474, OMIM 604559.

Allele frequency attached by ClinVar (database versions not stated): gnomAD exomes 0.00025; ExAC 0.00027; 1000 Genomes Project 30x 0.00062; 1000 Genomes Project 0.00080; gnomAD 0.00086; ESP Exome Variant Server 0.00092.
gnomAD v4.1: 230 of 1,614,150 alleles (0.014%); highest among the groups gnomAD compares: African/African-American, 0.23%; no homozygotes.

Submissions (7):

Labcorp Genetics (formerly Invitae), Labcorp
Classification: Likely benign for Progressive familial heart block type IB. Last evaluated: 2026-01-18. Review status: criteria provided, single submitter. Criteria: Invitae Variant Classification Sherloc (09022015). Collection method: clinical testing. Allele origin: germline.

Molecular Diagnostic Laboratory for Inherited Cardiovascular Disease, Montreal Heart Institute
Classification: Likely benign. Last evaluated: 2025-04-09. Review status: criteria provided, single submitter. Criteria: ACMG Guidelines, 2015. Collection method: clinical testing. Allele origin: germline. Affected: no.

Blueprint Genetics
Classification: Likely benign. Last evaluated: 2024-04-30. Review status: criteria provided, single submitter. Criteria: ACMG Guidelines, 2015. Collection method: clinical testing. Allele origin: germline.

GeneDx
Classification: Uncertain significance. Last evaluated: 2023-01-12. Review status: criteria provided, single submitter. Criteria: GeneDx Variant Classification Process June 2021. Collection method: clinical testing. Allele origin: germline. Affected: yes.
Comment: Identified in a patient with reported history of bradycardia, failure to thrive, hypoxemia, hypsarrhythmia, PFO, seizures, and tachycardia (Ji et al., 2019); In silico analysis supports that this missense variant has a deleterious effect on protein structure/function; This variant is associated with the following publications: (PMID: 30755392)

Ambry Genetics
Classification: Likely benign for Cardiovascular phenotype. Last evaluated: 2019-11-08. Review status: criteria provided, single submitter. Criteria: Ambry Variant Classification Scheme 2023. Collection method: clinical testing. Allele origin: germline.

Center for Personalized Medicine, Children's Hospital Los Angeles
Classification: Uncertain significance. Last evaluated: 2016-02-19. Review status: criteria provided, single submitter. Criteria: ACMG Guidelines, 2015. Collection method: clinical testing. Allele origin: germline. Affected: yes.

PreventionGenetics, part of Exact Sciences
Classification: Likely benign for TRPM4-related condition. Last evaluated: 2020-09-25. Review status: no assertion criteria provided. Collection method: clinical testing. Allele origin: germline. Not counted in ClinVar's aggregate classification.
Comment: This variant is classified as likely benign based on ACMG/AMP sequence variant interpretation guidelines (Richards et al. 2015 PMID: 25741868, with internal and published modifications).